The following is an entry in ClinVar:

ClinVar aggregate classification (germline): Uncertain significance. Review status: criteria provided, multiple submitters, no conflicts (2 of 4 stars). 3 submissions from 3 submitters: Uncertain significance (3). Last evaluated 2023-07-05.

Conditions:
Hereditary cancer-predisposing syndrome. Also called: Tumor predisposition; Neoplastic Syndromes, Hereditary; Hereditary neoplastic syndrome; Hereditary Cancer Syndrome. Identifiers: Orphanet 140162, MedGen C0027672, MeSH D009386, MONDO:0015356.
Retinoblastoma (RB1). Also called: RETINOBLASTOMA, SOMATIC. Identifiers: Orphanet 790, MedGen C0035335, MeSH D012175, MONDO:0008380, OMIM 180200, HP:0009919. Disease mechanism: loss of function. Inheritance: Both sporadic and heritable forms are tested..

Submissions (3):

GeneDx
Classification: Uncertain significance. Last evaluated: 2023-07-05. Review status: criteria provided, single submitter. Criteria: GeneDx Variant Classification Process June 2021. Collection method: clinical testing. Allele origin: germline. Affected: yes.
Comment: Not observed at significant frequency in large population cohorts (gnomAD); In silico analysis supports that this missense variant does not alter protein structure/function; Has not been previously published as pathogenic or benign to our knowledge; This variant is associated with the following publications: (PMID: 23516486)

Labcorp Genetics (formerly Invitae), Labcorp
Classification: Uncertain significance for Retinoblastoma. Last evaluated: 2021-08-31. Review status: criteria provided, single submitter. Criteria: Invitae Variant Classification Sherloc (09022015). Collection method: clinical testing. Allele origin: germline.
Comment: This sequence change replaces alanine with threonine at codon 74 of the RB1 protein (p.Ala74Thr). The alanine residue is highly conserved and there is a small physicochemical difference between alanine and threonine. This variant is not present in population databases (ExAC no frequency). This variant has not been reported in the literature in individuals affected with RB1-related conditions. Algorithms developed to predict the effect of missense changes on protein structure and function (SIFT, PolyPhen-2, Align-GVGD) all suggest that this variant is likely to be disruptive. In summary, the available evidence is currently insufficient to determine the role of this variant in disease. Therefore, it has been classified as a Variant of Uncertain Significance.

Ambry Genetics
Classification: Uncertain significance for Hereditary cancer-predisposing syndrome. Last evaluated: 2020-06-29. Review status: criteria provided, single submitter. Criteria: Ambry Variant Classification Scheme 2023. Collection method: clinical testing. Allele origin: germline.
Comment: The p.A74T variant (also known as c.220G>A), located in coding exon 2 of the RB1 gene, results from a G to A substitution at nucleotide position 220. The alanine at codon 74 is replaced by threonine, an amino acid with similar properties. This amino acid position is highly conserved on limited sequence alignment. In addition, the in silico prediction for this alteration is inconclusive. Since supporting evidence is limited at this time, the clinical significance of this alteration remains unclear.

NM_000321.3(RB1):c.220G>A (p.Ala74Thr)

Gene: RB1 (RB transcriptional corepressor 1; plus strand). Cytogenetic location: 13q14.2.
Variant type: single nucleotide variant.
Coding change: c.220G>A on transcript NM_000321.3 (MANE Select); coding-DNA position 220, G replaced by A.
Protein change: p.Ala74Thr; replaces alanine 74 with threonine.
Molecular consequence: missense variant.
Genome position (GRCh38, 1-based): chr13:48,307,362, G>A. VCF-style: chr13-48307362-G-A. GRCh37 (hg19) VCF-style: chr13-48881498-G-A.
Other names: short protein forms A74T.
Identifiers: ClinVar variation 1019470 (VCV001019470.9), dbSNP rs1952090208, ClinGen allele CA388250605.
Genomic context (GRCh38, chr13:48,307,362, plus strand): 5'-GAACCTGATTTTACTGCATTATGTCAGAAATTAAAGATACCAGATCATGTCAGAGAGAGA[G>A]CTTGGTTAACTTGGGAGAAAGTTTCATCTGTGGATGGAGTATTGGTAAGGATTTTCTTAA-3'
Protein context (NP_000312.2, residues 64-84): LKIPDHVRER[Ala74Thr]WLTWEKVSSV